The following is an entry in ClinVar:

NM_018238.4(AGK):c.257C>T (p.Pro86Leu)

Gene: AGK (acylglycerol kinase; plus strand). Cytogenetic location: 7q34.
Variant type: single nucleotide variant.
Coding change: c.257C>T on transcript NM_018238.4 (MANE Select); coding-DNA position 257, C replaced by T.
Protein change: p.Pro86Leu; replaces proline 86 with leucine.
Molecular consequence: missense variant.
Genome position (GRCh38, 1-based): chr7:141,601,240, C>T. VCF-style: chr7-141601240-C-T. GRCh37 (hg19) VCF-style: chr7-141301040-C-T.
Other names: p.Pro86Leu; c.257C>T, p.Pro86Leu (NM_001364948.3); short protein forms P86L.
Identifiers: ClinVar variation 2929186 (VCV002929186.4), dbSNP rs762680550, ClinGen allele CA4517368.

ClinVar aggregate classification (germline): Uncertain significance. Review status: criteria provided, multiple submitters, no conflicts (2 of 4 stars). 2 submissions from 2 submitters: Uncertain significance (2). Last evaluated 2025-10-24.

Conditions:
Cataract 38. Also called: Cataract, autosomal recessive congenital 5; Cataract 38, autosomal recessive. Identifiers: Orphanet 91492, MedGen C3553494, MONDO:0013859, OMIM 614691.
Sengers syndrome. Also called: MITOCHONDRIAL DNA DEPLETION SYNDROME 10 (CARDIOMYOPATHIC TYPE); Cardiomyopathy and cataract. Identifiers: Orphanet 1369, MedGen C1859317, MONDO:0008922, OMIM 212350.

gnomAD v4.1: 9 of 1,612,610 alleles (0.00056%); highest among the groups gnomAD compares: South Asian, 0.0044%; no homozygotes.

Submissions (2):

Mayo Clinic Laboratories, Mayo Clinic
Classification: Uncertain significance. Last evaluated: 2025-10-24. Review status: criteria provided, single submitter. Criteria: ACMG Guidelines, 2015. Collection method: clinical testing. Allele origin: germline. Observed: 2 variant alleles.
Comment: PM2_supporting

Labcorp Genetics (formerly Invitae), Labcorp
Classification: Uncertain significance for Sengers syndrome; Cataract 38. Last evaluated: 2023-02-24. Review status: criteria provided, single submitter. Criteria: Invitae Variant Classification Sherloc (09022015). Collection method: clinical testing. Allele origin: germline.
Comment: In summary, the available evidence is currently insufficient to determine the role of this variant in disease. Therefore, it has been classified as a Variant of Uncertain Significance. Advanced modeling of protein sequence and biophysical properties (such as structural, functional, and spatial information, amino acid conservation, physicochemical variation, residue mobility, and thermodynamic stability) performed at Invitae indicates that this missense variant is expected to disrupt AGK protein function. This variant has not been reported in the literature in individuals affected with AGK-related conditions. This variant is present in population databases (rs762680550, gnomAD 0.006%). This sequence change replaces proline, which is neutral and non-polar, with leucine, which is neutral and non-polar, at codon 86 of the AGK protein (p.Pro86Leu).